The following is an entry in ClinVar:

NM_006261.5(PROP1):c.110-659G>T

Gene: PROP1 (PROP paired-like homeobox 1; minus strand). Cytogenetic location: 5q35.3.
Variant type: single nucleotide variant.
Coding change: c.110-659G>T on transcript NM_006261.5 (MANE Select); 659 bases into the intron before coding-DNA position 110, G replaced by T.
Molecular consequence: intron variant.
Genome position (GRCh38, 1-based): chr5:177,994,997, C>A on the plus strand (G>T on the coding strand, the complement: PROP1 is on the minus strand). VCF-style: chr5-177994997-C-A. GRCh37 (hg19) VCF-style: chr5-177421998-C-A.
Identifiers: ClinVar variation 4845449 (VCV004845449.1).

ClinVar aggregate classification (germline): Uncertain significance (1 of 4 stars; one submission).

Submission:

Greenwood Genetic Center Diagnostic Laboratories, Greenwood Genetic Center
Classification: Uncertain significance. Last evaluated: 2025-11-10. Review status: criteria provided, single submitter. Criteria: ACMG Guidelines, 2015. Collection method: clinical testing. Allele origin: germline. Affected: yes.
Comment: PM2, BP4